The following is an entry in ClinVar:

NM_001267550.2(TTN):c.95368C>G (p.Pro31790Ala)

Genes: TTN-AS1 (TTN antisense RNA 1; plus strand), TTN (titin; minus strand). Cytogenetic location: 2q31.2.
Variant type: single nucleotide variant.
Coding change: c.95368C>G on transcript NM_001267550.2 (MANE Select); coding-DNA position 95368, C replaced by G.
Protein change: p.Pro31790Ala; replaces proline 31790 with alanine.
Molecular consequence: missense variant.
Genome position (GRCh38, 1-based): chr2:178,545,868, G>C on the plus strand (C>G on the coding strand, the complement: TTN is on the minus strand). VCF-style: chr2-178545868-G-C. GRCh37 (hg19) VCF-style: chr2-179410595-G-C.
Other names: c.90445C>G, p.Pro30149Ala (NM_001256850.1); c.68173C>G, p.Pro22725Ala (NM_003319.4); c.87664C>G, p.Pro29222Ala (NM_133378.4); c.68548C>G, p.Pro22850Ala (NM_133432.3); c.68749C>G, p.Pro22917Ala (NM_133437.4); short protein forms P22725A, P22850A, P22917A, P31790A, P29222A, P30149A.
Identifiers: ClinVar variation 2953859 (VCV002953859.3), dbSNP rs1235693684, ClinGen allele CA349462522.

ClinVar aggregate classification (germline): Uncertain significance (1 of 4 stars; one submission).

Conditions:
Autosomal recessive limb-girdle muscular dystrophy type 2J (LGMDR10). Also called: Limb-girdle muscular dystrophy, type 2J; MUSCULAR DYSTROPHY, LIMB-GIRDLE, AUTOSOMAL RECESSIVE 10. Identifiers: Orphanet 140922, MedGen C1837342, MONDO:0012127, OMIM 608807.
Dilated cardiomyopathy 1G (CMD1G). Identifiers: Orphanet 154, MedGen C1858763, MONDO:0011400, OMIM 604145.

Submission:

Labcorp Genetics (formerly Invitae), Labcorp
Classification: Uncertain significance for Dilated cardiomyopathy 1G; Autosomal recessive limb-girdle muscular dystrophy type 2J. Last evaluated: 2023-11-14. Review status: criteria provided, single submitter. Criteria: Invitae Variant Classification Sherloc (09022015). Collection method: clinical testing. Allele origin: germline.
Comment: This sequence change replaces proline, which is neutral and non-polar, with alanine, which is neutral and non-polar, at codon 31790 of the TTN protein (p.Pro31790Ala). This variant is not present in population databases (gnomAD no frequency). This variant has not been reported in the literature in individuals affected with TTN-related conditions. Experimental studies and prediction algorithms are not available or were not evaluated, and the functional significance of this variant is currently unknown. This variant is located in the A band of TTN (PMID: 25589632). Variants in this region may be relevant for cardiac or neuromuscular disorders (PMID: 25589632, 23975875). In summary, the available evidence is currently insufficient to determine the role of this variant in disease. Therefore, it has been classified as a Variant of Uncertain Significance.

Literature cited by the submitters: PubMed 25589632; PubMed 23975875.